The following is an entry in ClinVar:

ClinVar aggregate classification (germline): Uncertain significance (1 of 4 stars; one submission).

Submission:

GeneDx
Classification: Uncertain significance. Last evaluated: 2022-10-28. Review status: criteria provided, single submitter. Criteria: GeneDx Variant Classification Process June 2021. Collection method: clinical testing. Allele origin: germline. Affected: yes.
Comment: Not observed at significant frequency in large population cohorts (gnomAD); In silico analysis supports that this missense variant has a deleterious effect on protein structure/function; Has not been previously published as pathogenic or benign to our knowledge

NM_182931.3(KMT2E):c.4376C>T (p.Pro1459Leu)

Gene: KMT2E (lysine methyltransferase 2E (inactive); plus strand). Cytogenetic location: 7q22.3.
Variant type: single nucleotide variant.
Coding change: c.4376C>T on transcript NM_182931.3 (MANE Select); coding-DNA position 4376, C replaced by T.
Protein change: p.Pro1459Leu; replaces proline 1459 with leucine.
Molecular consequence: missense variant.
Genome position (GRCh38, 1-based): chr7:105,112,132, C>T. VCF-style: chr7-105112132-C-T. GRCh37 (hg19) VCF-style: chr7-104752579-C-T.
Other names: c.4250C>T, p.Pro1417Leu (NM_001410908.1); c.4376C>T, p.Pro1459Leu (NM_018682.4); short protein forms P1417L, P1459L.
Identifiers: ClinVar variation 2500420 (VCV002500420.1), dbSNP rs2536524384, ClinGen allele CA368792536.
Genomic context (GRCh38, chr7:105,112,132, plus strand): 5'-TGCACTGTCCTCCATCACCTCACCTAGAAAATCCTCCAAAGTCATCCACGCCTCACACAC[C>T]TGTACAGCATGGTTATCTTTCACCAAAGCCTCCTTCACAGCAGTTAGGATCTCCCTACAG-3'
Protein context (NP_891847.1, residues 1449-1469): NPPKSSTPHT[Pro1459Leu]VQHGYLSPKP